The following is an entry in ClinVar:

NM_001035.3(RYR2):c.5416G>A (p.Ala1806Thr)

Gene: RYR2 (ryanodine receptor 2; plus strand). Cytogenetic location: 1q43.
Variant type: single nucleotide variant.
Coding change: c.5416G>A on transcript NM_001035.3 (MANE Select); coding-DNA position 5416, G replaced by A.
Protein change: p.Ala1806Thr; replaces alanine 1806 with threonine.
Molecular consequence: missense variant.
Genome position (GRCh38, 1-based): chr1:237,614,544, G>A. VCF-style: chr1-237614544-G-A. GRCh37 (hg19) VCF-style: chr1-237777844-G-A.
Other names: short protein forms A1806T.
Identifiers: ClinVar variation 229220 (VCV000229220.14), dbSNP rs767728159, ClinGen allele CA086885.
Genomic context (GRCh38, chr1:237,614,544, plus strand): 5'-ATCCTCAAGTCCAAAACCATACAGATGCTGACAGAAGCTGTTAAAGAGGGCAGTCTTCAT[G>A]CCCGGGACCCAGTTGGAGGGACTACTGAATTCCTCTTTGTACCTCTCATCAAGCTTTTCT-3'
Protein context (NP_001026.2, residues 1796-1816): TEAVKEGSLH[Ala1806Thr]RDPVGGTTEF

ClinVar aggregate classification (germline): Conflicting classifications of pathogenicity. Review status: criteria provided, conflicting classifications (1 of 4 stars). 4 submissions from 4 submitters: Uncertain significance (3); Likely benign (1). Last evaluated 2025-10-21.

Conditions:
Catecholaminergic polymorphic ventricular tachycardia 1. Also called: VENTRICULAR TACHYCARDIA, CATECHOLAMINERGIC POLYMORPHIC, 1, WITH OR WITHOUT ATRIAL DYSFUNCTION AND/OR DILATED CARDIOMYOPATHY; RYR2-Related Catecholaminergic Polymorphic Ventricular Tachycardia; VENTRICULAR TACHYCARDIA, STRESS-INDUCED POLYMORPHIC 1. Identifiers: Orphanet 3286, MedGen C1631597, MONDO:0011484, OMIM 604772.
Conduction disorder of the heart. Also called: Cardiac conduction defect. Identifiers: Orphanet 871, MedGen C0264886, MONDO:0100042, OMIM 115080.

Allele frequency attached by ClinVar (database versions not stated): gnomAD exomes below 0.00001 and 0.00002; ExAC 0.00001; gnomAD 0.00001; TOPMed 0.00001.
gnomAD v4.1: 12 of 1,613,920 alleles (0.00074%); highest among the groups gnomAD compares: Non-Finnish European, 0.001%; no homozygotes.

Submissions (4):

Labcorp Genetics (formerly Invitae), Labcorp
Classification: Uncertain significance for Catecholaminergic polymorphic ventricular tachycardia 1. Last evaluated: 2025-10-21. Review status: criteria provided, single submitter. Criteria: Invitae Variant Classification Sherloc (09022015). Collection method: clinical testing. Allele origin: germline.
Comment: This sequence change replaces alanine, which is neutral and non-polar, with threonine, which is neutral and polar, at codon 1806 of the RYR2 protein (p.Ala1806Thr). This variant is present in population databases (rs767728159, gnomAD 0.002%). This missense change has been observed in individual(s) with RYR2-related conditions (PMID: 33500567). ClinVar contains an entry for this variant (Variation ID: 229220). Invitae Evidence Modeling of protein sequence and biophysical properties (such as structural, functional, and spatial information, amino acid conservation, physicochemical variation, residue mobility, and thermodynamic stability) indicates that this missense variant is not expected to disrupt RYR2 protein function with a negative predictive value of 95%. In summary, the available evidence is currently insufficient to determine the role of this variant in disease. Therefore, it has been classified as a Variant of Uncertain Significance.

Blueprint Genetics
Classification: Likely benign. Last evaluated: 2023-07-12. Review status: criteria provided, single submitter. Criteria: ACMG Guidelines, 2015. Collection method: clinical testing. Allele origin: germline.

Molecular Diagnostic Laboratory for Inherited Cardiovascular Disease, Montreal Heart Institute
Classification: Uncertain significance for Conduction disorder of the heart. Last evaluated: 2017-07-18. Review status: criteria provided, single submitter. Criteria: ACMG Guidelines, 2015. Collection method: clinical testing. Allele origin: germline. Affected: yes.

Laboratory for Molecular Medicine, Mass General Brigham Personalized Medicine
Classification: Uncertain significance. Last evaluated: 2015-04-13. Review status: criteria provided, single submitter. Criteria: LMM Criteria. Collection method: clinical testing. Allele origin: germline. Observed: 1 variant allele.
Comment: The p.Ala1806Thr variant in RYR2 has not been previously reported in individuals with cardiomyopathy, but has been identified in 1/66638 European chromosomes by the Exome Aggregation Consortium (ExAC). Comput ational prediction tools and conservation analysis suggest that this variant may not impact the protein, though this information is not predictive enough to rul e out pathogenicity. In summary, the clinical significance of the p.Ala1806Thr v ariant is uncertain.

Literature cited by the submitters: PubMed 33500567 (cited by Labcorp Genetics (formerly Invitae), Labcorp).